The following is an entry in ClinVar:

NM_015295.3(SMCHD1):c.5255T>G (p.Val1752Gly)

Gene: SMCHD1 (structural maintenance of chromosomes flexible hinge domain containing 1; plus strand). Cytogenetic location: 18p11.32.
Variant type: single nucleotide variant.
Coding change: c.5255T>G on transcript NM_015295.3 (MANE Select); coding-DNA position 5255, T replaced by G.
Protein change: p.Val1752Gly; replaces valine 1752 with glycine.
Molecular consequence: missense variant.
Genome position (GRCh38, 1-based): chr18:2,775,813, T>G. VCF-style: chr18-2775813-T-G. GRCh37 (hg19) VCF-style: chr18-2775811-T-G.
Other names: short protein forms V1752G.
Identifiers: ClinVar variation 3720026 (VCV003720026.2).

ClinVar aggregate classification (germline): Uncertain significance (1 of 4 stars; one submission).

Conditions:
Facioscapulohumeral muscular dystrophy 2 (FSHD2). Also called: MUSCULAR DYSTROPHY, FACIOSCAPULOHUMERAL, TYPE 1B; FACIOSCAPULOHUMERAL MUSCULAR DYSTROPHY 2, DIGENIC; FSHD2, DIGENIC. Identifiers: Orphanet 269, MedGen C1834671, MONDO:0008031, OMIM 158901.

Submission:

Labcorp Genetics (formerly Invitae), Labcorp
Classification: Uncertain significance for Facioscapulohumeral muscular dystrophy 2. Last evaluated: 2024-10-13. Review status: criteria provided, single submitter. Criteria: Invitae Variant Classification Sherloc (09022015). Collection method: clinical testing. Allele origin: germline.
Comment: This sequence change replaces valine, which is neutral and non-polar, with glycine, which is neutral and non-polar, at codon 1752 of the SMCHD1 protein (p.Val1752Gly). This variant is not present in population databases (gnomAD no frequency). This variant has not been reported in the literature in individuals affected with SMCHD1-related conditions. Invitae Evidence Modeling of protein sequence and biophysical properties (such as structural, functional, and spatial information, amino acid conservation, physicochemical variation, residue mobility, and thermodynamic stability) indicates that this missense variant is expected to disrupt SMCHD1 protein function with a positive predictive value of 80%. In summary, the available evidence is currently insufficient to determine the role of this variant in disease. Therefore, it has been classified as a Variant of Uncertain Significance.